The following is an entry in ClinVar:

NM_002470.4(MYH3):c.4129G>C (p.Glu1377Gln)

Gene: MYH3 (myosin heavy chain 3; minus strand). Cytogenetic location: 17p13.1.
Variant type: single nucleotide variant.
Coding change: c.4129G>C on transcript NM_002470.4 (MANE Select); coding-DNA position 4129, G replaced by C.
Protein change: p.Glu1377Gln; replaces glutamic acid 1377 with glutamine.
Molecular consequence: missense variant.
Genome position (GRCh38, 1-based): chr17:10,635,410, C>G on the plus strand (G>C on the coding strand, the complement: MYH3 is on the minus strand). VCF-style: chr17-10635410-C-G. GRCh37 (hg19) VCF-style: chr17-10538727-C-G.
Other names: short protein forms E1377Q.
Identifiers: ClinVar variation 587607 (VCV000587607.6), dbSNP rs1567553702, ClinGen allele CA398144653.

ClinVar aggregate classification (germline): Uncertain significance. Review status: criteria provided, multiple submitters, no conflicts (2 of 4 stars). 4 submissions from 2 submitters: Uncertain significance (4). Last evaluated 2019-06-06.

Conditions:
Contractures, pterygia, and spondylocarpotarsal fusion syndrome 1A (CPSFS1A). Also called: MULTIPLE PTERYGIUM SYNDROME, AUTOSOMAL DOMINANT; Distal arthrogryposis type 8; Contractures, pterygia, and variable skeletal fusions syndrome 1A. Identifiers: Orphanet 65743, MedGen C1867440, MONDO:0008338, OMIM 178110.
Arthrogryposis, distal, type 1A. Also called: ARTHROGRYPOSIS MULTIPLEX CONGENITA, DISTAL, TYPE I. Identifiers: Orphanet 1146, MedGen C6022280, MONDO:0007157, OMIM 108120.
Distal arthrogryposis type 2B1 (DA2B1). Also called: Arthrogryposis multiplex congenita distal type II with craniofacial abnormalities. Identifiers: Orphanet 1147, MedGen C5193014, MONDO:0020820, OMIM 601680.

Submissions (4):

GeneDx
Classification: Uncertain significance. Last evaluated: 2019-06-06. Review status: criteria provided, single submitter. Criteria: GeneDx Variant Classification Process June 2021. Collection method: clinical testing. Allele origin: germline. Affected: yes.
Comment: Not observed in large population cohorts (Lek et al., 2016); In silico analysis, which includes protein predictors and evolutionary conservation, supports that this variant does not alter protein structure/function; Has not been previously published as pathogenic or benign to our knowledge

Genomic Research Center, Shahid Beheshti University of Medical Sciences
Classification: Uncertain significance for Distal arthrogryposis type 2B. Last evaluated: 2018-08-07. Review status: criteria provided, single submitter. Criteria: ACMG Guidelines, 2015. Collection method: clinical testing. Allele origin: unknown. Affected: yes. Observed: 1 variant allele.

Genomic Research Center, Shahid Beheshti University of Medical Sciences
Classification: Uncertain significance for Distal arthrogryposis type 1A. Last evaluated: 2018-08-07. Review status: criteria provided, single submitter. Criteria: ACMG Guidelines, 2015. Collection method: clinical testing. Allele origin: unknown. Affected: yes. Observed: 1 variant allele.

Genomic Research Center, Shahid Beheshti University of Medical Sciences
Classification: Uncertain significance for Distal arthrogryposis type 8. Last evaluated: 2018-08-07. Review status: criteria provided, single submitter. Criteria: ACMG Guidelines, 2015. Collection method: clinical testing. Allele origin: unknown. Affected: yes. Observed: 1 variant allele.